The following is an entry in ClinVar:

NM_005045.4(RELN):c.8905A>T (p.Ile2969Phe)

Genes: RELN (reelin; minus strand), SLC26A5-AS1 (SLC26A5 antisense RNA 1; plus strand). Cytogenetic location: 7q22.1.
Variant type: single nucleotide variant.
Coding change: c.8905A>T on transcript NM_005045.4 (MANE Select); coding-DNA position 8905, A replaced by T.
Protein change: p.Ile2969Phe; replaces isoleucine 2969 with phenylalanine.
Molecular consequence: missense variant.
Genome position (GRCh38, 1-based): chr7:103,497,865, T>A on the plus strand (A>T on the coding strand, the complement: RELN is on the minus strand). VCF-style: chr7-103497865-T-A. GRCh37 (hg19) VCF-style: chr7-103138312-T-A.
Other names: c.8905A>T, p.Ile2969Phe (NM_173054.3); short protein forms I2969F.
Identifiers: ClinVar variation 4822548 (VCV004822548.4).
Genomic context (GRCh38, chr7:103,497,865, plus strand): 5'-ACCCCTGACACATGCCTCCATCGGTAGAGTAGTCCAACAGCACGCCTTCCTTCCGGCAGA[T>A]GGGACGATGGCAAGAGGTCATGTTGTTCTCACTACCGATGCGCCCCCAGTATTGCAGGAA-3'
Protein context (NP_005036.2, residues 2959-2979): ENNMTSCHRP[Ile2969Phe]CRKEGVLLDY

ClinVar aggregate classification (germline): Uncertain significance (1 of 4 stars; one submission).

gnomAD v4.1: 1 of 1,614,136 alleles (0.000062%); highest among the groups gnomAD compares: African/African-American, 0.0013%; no homozygotes.

Submission:

CeGaT Center for Human Genetics Tuebingen
Classification: Uncertain significance. Last evaluated: 2026-02-01. Review status: criteria provided, single submitter. Criteria: CeGaT Center For Human Genetics Tuebingen Variant Classification Criteria Version 2. Collection method: clinical testing. Allele origin: germline. Affected: yes. Observed: 1 variant allele.
Comment: RELN: PM2, BP4